The following is an entry in ClinVar:

NM_001388492.1(HTT):c.5226-3A>T

Gene: HTT (huntingtin; plus strand). Cytogenetic location: 4p16.3.
Variant type: single nucleotide variant.
Coding change: c.5226-3A>T on transcript NM_001388492.1 (MANE Select); 3 bases into the intron before coding-DNA position 5226, A replaced by T.
Molecular consequence: intron variant.
Genome position (GRCh38, 1-based): chr4:3,188,948, A>T. VCF-style: chr4-3188948-A-T. GRCh37 (hg19) VCF-style: chr4-3190675-A-T.
Other names: c.5226-3A>T (NM_002111.8).
Identifiers: ClinVar variation 1360842 (VCV001360842.1), dbSNP rs1355866432, ClinGen allele CA549319602.

ClinVar aggregate classification (germline): Uncertain significance (1 of 4 stars; one submission).

Allele frequency attached by ClinVar (database versions not stated): gnomAD exomes below 0.00001; gnomAD 0.00003 and 0.00004; TOPMed 0.00006.

Submission:

Labcorp Genetics (formerly Invitae), Labcorp
Classification: Uncertain significance. Last evaluated: 2021-01-08. Review status: criteria provided, single submitter. Criteria: Invitae Variant Classification Sherloc (09022015). Collection method: clinical testing. Allele origin: germline.
Comment: This sequence change falls in intron 39 of the HTT gene. It does not directly change the encoded amino acid sequence of the HTT protein. It affects a nucleotide within the consensus splice site of the intron. This variant is not present in population databases (ExAC no frequency). This variant has not been reported in the literature in individuals with HTT-related conditions. Nucleotide substitutions within the consensus splice site are a relatively common cause of aberrant splicing (PMID: 17576681, 9536098). Experimental studies and prediction algorithms are not available or were not evaluated, and the effect of this variant on mRNA splicing is currently unknown. In summary, the available evidence is currently insufficient to determine the role of this variant in disease. Therefore, it has been classified as a Variant of Uncertain Significance.

Literature cited by the submitters: PubMed 17576681; PubMed 9536098.